The following is an entry in ClinVar:

NC_000001.10:g.(?_216039721)_(216064540_?)del

Gene: USH2A (usherin; minus strand). Cytogenetic location: 1q41.
Variant type: Deletion.
Identifiers: ClinVar variation 1076633 (VCV001076633.8).

ClinVar aggregate classification (germline): Pathogenic (1 of 4 stars; one submission).

Submission:

Labcorp Genetics (formerly Invitae), Labcorp
Classification: Pathogenic. Last evaluated: 2022-01-18. Review status: criteria provided, single submitter. Criteria: Invitae Variant Classification Sherloc (09022015). Collection method: clinical testing. Allele origin: germline.
Comment: The region of the USH2A gene that includes exon(s) 41-44 has been determined to be clinically significant (PMID: 30190494, 30459346; Invitae). Therefore, deletions that encompass that region are likely to be disease-causing. A similar copy number variant has been observed in individual(s) with clinical features of retinitis pigmentosa (Invitae). This variant is a gross deletion of the genomic region encompassing exon(s) 41-44 of the USH2A gene. This variant would be expected to be in-frame, preserving the integrity of the reading frame. For these reasons, this variant has been classified as Pathogenic.

Literature cited by the submitters: PubMed 30190494; PubMed 30459346.